The following is an entry in ClinVar:

ClinVar aggregate classification (germline): Uncertain significance (1 of 4 stars; one submission).

Conditions:
Hereditary cancer-predisposing syndrome. Also called: Neoplastic Syndromes, Hereditary; Tumor predisposition; Hereditary Cancer Syndrome; Hereditary neoplastic syndrome. Identifiers: Orphanet 140162, MedGen C0027672, MeSH D009386, MONDO:0015356.

gnomAD v4.1: 1 of 1,613,968 alleles (0.000062%); highest among the groups gnomAD compares: Non-Finnish European, 0.000085%; no homozygotes.

Submission:

Ambry Genetics
Classification: Uncertain significance for Hereditary cancer-predisposing syndrome. Last evaluated: 2025-10-09. Review status: criteria provided, single submitter. Criteria: Ambry Variant Classification Scheme 2023. Collection method: clinical testing. Allele origin: germline.
Comment: The c.445+11A>G intronic variant results from an A to G substitution 11 nucleotides after coding exon 1 in the MEN1 gene. This nucleotide position is poorly conserved in available vertebrate species. In silico splice site analysis predicts that this alteration may weaken the native splice donor site and may result in the creation or strengthening of a novel splice donor site; however, direct evidence is insufficient at this time (Ambry internal data). Based on the available evidence, the clinical significance of this variant remains unclear.

NM_001370259.2(MEN1):c.445+11A>G

Gene: MEN1 (menin 1; minus strand). Cytogenetic location: 11q13.1.
Variant type: single nucleotide variant.
Coding change: c.445+11A>G on transcript NM_001370259.2 (MANE Select); 11 bases into the intron after coding-DNA position 445, A replaced by G.
Molecular consequence: intron variant. On other transcripts: synonymous variant (8), non-coding transcript variant (2).
Genome position (GRCh38, 1-based): chr11:64,809,654, T>C on the plus strand (A>G on the coding strand, the complement: MEN1 is on the minus strand). VCF-style: chr11-64809654-T-C. GRCh37 (hg19) VCF-style: chr11-64577126-T-C.
Other names: c.456A>G, p.Pro152= (NM_000244.4, NM_001407145.1, NM_001407150.1 and 5 more transcripts); c.445+11A>G (NM_001407148.1, NM_130799.3, NM_001407144.1 and 12 more transcripts).
Identifiers: ClinVar variation 4646298 (VCV004646298.1).